The following is an entry in ClinVar:

NM_000059.4(BRCA2):c.216_217del (p.Asn72fs)

Gene: BRCA2 (BRCA2 DNA repair associated; plus strand). Cytogenetic location: 13q13.1.
Variant type: Deletion.
Coding change: c.216_217del on transcript NM_000059.4 (MANE Select); coding-DNA positions 216 to 217, 2 bases deleted (TC; older notation c.216_217delTC).
Protein change: p.Asn72fs; shifts the reading frame from asparagine 72.
Molecular consequence: frameshift variant. On other transcripts: 5 prime UTR variant (1), non-coding transcript variant (1).
Genome position (GRCh38, 1-based): chr13:32,319,225-32,319,226, TC deleted. VCF-style (leftmost placement, unchanged base first): chr13-32319224-ATC-A. GRCh37 (hg19) VCF-style: chr13-32893361-ATC-A.
Other names: c.216_217del, p.Asn72fs (NM_001406719.1, NM_001406720.1, NM_001406721.1); c.-154_-153del (NM_001406722.1); short protein forms N72fs.
Identifiers: ClinVar variation 2586305 (VCV002586305.2), dbSNP rs2548511368, ClinGen allele CA2582341824.

ClinVar aggregate classification (germline): Pathogenic (1 of 4 stars; one submission).

Conditions:
Hereditary cancer-predisposing syndrome. Also called: Hereditary neoplastic syndrome; Tumor predisposition; Hereditary Cancer Syndrome; Neoplastic Syndromes, Hereditary. Identifiers: Orphanet 140162, MedGen C0027672, MeSH D009386, MONDO:0015356.

Submission:

Ambry Genetics
Classification: Pathogenic for Hereditary cancer-predisposing syndrome. Last evaluated: 2023-08-17. Review status: criteria provided, single submitter. Criteria: Ambry Variant Classification Scheme 2023. Collection method: clinical testing. Allele origin: germline.
Comment: The c.216_217delTC pathogenic mutation, located in coding exon 2 of the BRCA2 gene, results from a deletion of two nucleotides at nucleotide positions 216 to 217, causing a translational frameshift with a predicted alternate stop codon (p.N72Kfs*28). This variant is considered to be rare based on population cohorts in the Genome Aggregation Database (gnomAD). This alteration is expected to result in loss of function by premature protein truncation or nonsense-mediated mRNA decay. As such, this alteration is interpreted as a disease-causing mutation.